The following is an entry in ClinVar:

NM_001080414.4(CCDC88C):c.2290G>A (p.Val764Met)

Gene: CCDC88C (coiled-coil domain containing 88C; minus strand). Cytogenetic location: 14q32.11.
Variant type: single nucleotide variant.
Coding change: c.2290G>A on transcript NM_001080414.4 (MANE Select); coding-DNA position 2290, G replaced by A.
Protein change: p.Val764Met; replaces valine 764 with methionine.
Molecular consequence: missense variant.
Genome position (GRCh38, 1-based): chr14:91,313,526, C>T on the plus strand (G>A on the coding strand, the complement: CCDC88C is on the minus strand). VCF-style: chr14-91313526-C-T. GRCh37 (hg19) VCF-style: chr14-91779870-C-T.
Other names: c.2290G>A (NM_001080414.3); short protein forms V764M.
Identifiers: ClinVar variation 2177500 (VCV002177500.2), dbSNP rs538265590, ClinGen allele CA7309697.
Genomic context (GRCh38, chr14:91,313,526, plus strand): 5'-TCTGCGTCTTGTGGCTGCTGCTCTCCAGGCTCTGCTGCAGCCGGAGGTTCTCAGCGCTCA[C>T]GCTCTGGTAGCTGAGCTCCAGGCGCTCTGACTTCTTGCCCAGCGCCTTGAGCAGATCCAC-3'
Protein context (NP_001073883.2, residues 754-774): SERLELSYQS[Val764Met]SAENLRLQQS

ClinVar aggregate classification (germline): Uncertain significance. Review status: criteria provided, multiple submitters, no conflicts (2 of 4 stars). 2 submissions from 2 submitters: Uncertain significance (2). Last evaluated 2025-03-16.

Conditions:
Inborn genetic diseases. Identifiers: MedGen C0950123, MeSH D030342.

gnomAD v4.1: 51 of 1,609,504 alleles (0.0032%); highest among the groups gnomAD compares: Non-Finnish European, 0.0032%; no homozygotes.

Submissions (2):

Ambry Genetics
Classification: Uncertain significance for Inborn genetic diseases. Last evaluated: 2025-03-16. Review status: criteria provided, single submitter. Criteria: Ambry Variant Classification Scheme 2023. Collection method: clinical testing. Allele origin: germline.

Labcorp Genetics (formerly Invitae), Labcorp
Classification: Uncertain significance. Last evaluated: 2022-03-13. Review status: criteria provided, single submitter. Criteria: Invitae Variant Classification Sherloc (09022015). Collection method: clinical testing. Allele origin: germline.
Comment: This sequence change replaces valine, which is neutral and non-polar, with methionine, which is neutral and non-polar, at codon 764 of the CCDC88C protein (p.Val764Met). This variant is present in population databases (rs538265590, gnomAD 0.01%). This variant has not been reported in the literature in individuals affected with CCDC88C-related conditions. Algorithms developed to predict the effect of missense changes on protein structure and function output the following: SIFT: "Deleterious"; PolyPhen-2: "Benign"; Align-GVGD: "Class C0". The methionine amino acid residue is found in multiple mammalian species, which suggests that this missense change does not adversely affect protein function. In summary, the available evidence is currently insufficient to determine the role of this variant in disease. Therefore, it has been classified as a Variant of Uncertain Significance.